The following is an entry in ClinVar:

NM_177438.3(DICER1):c.4476G>A (p.Met1492Ile)

Gene: DICER1 (dicer 1, ribonuclease III; minus strand). Cytogenetic location: 14q32.13.
Variant type: single nucleotide variant.
Coding change: c.4476G>A on transcript NM_177438.3 (MANE Select); coding-DNA position 4476, G replaced by A.
Protein change: p.Met1492Ile; replaces methionine 1492 with isoleucine.
Molecular consequence: missense variant.
Genome position (GRCh38, 1-based): chr14:95,096,444, C>T on the plus strand (G>A on the coding strand, the complement: DICER1 is on the minus strand). VCF-style: chr14-95096444-C-T. GRCh37 (hg19) VCF-style: chr14-95562781-C-T.
Other names: c.4476G>A, p.Met1492Ile (NM_001195573.1, NM_001271282.3, NM_001291628.2 and 1 more transcripts); short protein forms M1492I.
Identifiers: ClinVar variation 950511 (VCV000950511.13), dbSNP rs1186397655, ClinGen allele CA390868222.

ClinVar aggregate classification (germline): Uncertain significance. Review status: criteria provided, multiple submitters, no conflicts (2 of 4 stars). 2 submissions from 2 submitters: Uncertain significance (2). Last evaluated 2025-10-27.

Conditions:
DICER1-related tumor predisposition. Also called: DICER1 syndrome; DICER1-related pleuropulmonary blastoma cancer predisposition syndrome. Identifiers: Orphanet 284343, MedGen C3839822, MONDO:0100216.
Hereditary cancer-predisposing syndrome. Also called: Hereditary neoplastic syndrome; Tumor predisposition; Neoplastic Syndromes, Hereditary; Hereditary Cancer Syndrome. Identifiers: Orphanet 140162, MedGen C0027672, MeSH D009386, MONDO:0015356.

Allele frequency attached by ClinVar (database versions not stated): gnomAD 0.00001.

Submissions (2):

Ambry Genetics
Classification: Uncertain significance for Hereditary cancer-predisposing syndrome. Last evaluated: 2025-10-27. Review status: criteria provided, single submitter. Criteria: Ambry Variant Classification Scheme 2023. Collection method: clinical testing. Allele origin: germline.
Comment: The p.M1492I variant (also known as c.4476G>A), located in coding exon 22 of the DICER1 gene, results from a G to A substitution at nucleotide position 4476. The methionine at codon 1492 is replaced by isoleucine, an amino acid with highly similar properties. This amino acid position is conserved. In addition, this alteration is predicted to be tolerated by in silico analysis. Since supporting evidence is limited at this time, the clinical significance of this alteration remains unclear.

Labcorp Genetics (formerly Invitae), Labcorp
Classification: Uncertain significance for DICER1-related tumor predisposition. Last evaluated: 2025-07-30. Review status: criteria provided, single submitter. Criteria: Invitae Variant Classification Sherloc (09022015). Collection method: clinical testing. Allele origin: germline.
Comment: This sequence change replaces methionine, which is neutral and non-polar, with isoleucine, which is neutral and non-polar, at codon 1492 of the DICER1 protein (p.Met1492Ile). This variant is present in population databases (no rsID available, gnomAD 0.01%). This variant has not been reported in the literature in individuals affected with DICER1-related conditions. ClinVar contains an entry for this variant (Variation ID: 950511). Invitae Evidence Modeling of protein sequence and biophysical properties (such as structural, functional, and spatial information, amino acid conservation, physicochemical variation, residue mobility, and thermodynamic stability) indicates that this missense variant is not expected to disrupt DICER1 protein function with a negative predictive value of 95%. In summary, the available evidence is currently insufficient to determine the role of this variant in disease. Therefore, it has been classified as a Variant of Uncertain Significance.